The following is an entry in ClinVar:

ClinVar aggregate classification (germline): Uncertain significance. Review status: criteria provided, multiple submitters, no conflicts (2 of 4 stars). 2 submissions from 2 submitters: Uncertain significance (2). Last evaluated 2026-04-05.

Conditions:
Inborn genetic diseases. Identifiers: MedGen C0950123, MeSH D030342.

gnomAD v4.1: 3 of 1,611,872 alleles (0.00019%); highest among the groups gnomAD compares: Non-Finnish European, 0.00017%; no homozygotes.

Submissions (2):

GeneDx
Classification: Uncertain significance. Last evaluated: 2026-04-05. Review status: criteria provided, single submitter. Criteria: GeneDx Variant Classification Process June 2021. Collection method: clinical testing. Allele origin: germline.
Comment: Reported in a cohort of patients with progressive myoclonus epilepsy; however, additional clinical information was not provided (PMID: 33798445); Not observed at significant frequency in large population cohorts (gnomAD); In silico analysis suggests that this missense variant does not alter protein structure/function; This variant is associated with the following publications: (PMID: 33798445)

Ambry Genetics
Classification: Uncertain significance for Inborn genetic diseases. Last evaluated: 2025-10-29. Review status: criteria provided, single submitter. Criteria: Ambry Variant Classification Scheme 2023. Collection method: clinical testing. Allele origin: germline.

NM_001128840.3(CACNA1D):c.2381A>G (p.Asn794Ser)

Gene: CACNA1D (calcium voltage-gated channel subunit alpha1 D; plus strand). Cytogenetic location: 3p21.1.
Variant type: single nucleotide variant.
Coding change: c.2381A>G on transcript NM_001128840.3 (MANE Select); coding-DNA position 2381, A replaced by G.
Protein change: p.Asn794Ser; replaces asparagine 794 with serine.
Molecular consequence: missense variant.
Genome position (GRCh38, 1-based): chr3:53,731,121, A>G. VCF-style: chr3-53731121-A-G. GRCh37 (hg19) VCF-style: chr3-53765148-A-G.
Other names: c.2441A>G, p.Asn814Ser (NM_000720.4); c.2381A>G, p.Asn794Ser (NM_001128839.3); short protein forms N814S, N794S.
Identifiers: ClinVar variation 4602643 (VCV004602643.3).